The following is an entry in ClinVar:

NM_000282.4(PCCA):c.1184C>T (p.Ala395Val)

Gene: PCCA (propionyl-CoA carboxylase subunit alpha; plus strand). Cytogenetic location: 13q32.3.
Variant type: single nucleotide variant.
Coding change: c.1184C>T on transcript NM_000282.4 (MANE Select); coding-DNA position 1184, C replaced by T.
Protein change: p.Ala395Val; replaces alanine 395 with valine.
Molecular consequence: missense variant. On other transcripts: non-coding transcript variant (5), intron variant (3).
Genome position (GRCh38, 1-based): chr13:100,301,578, C>T. VCF-style: chr13-100301578-C-T. GRCh37 (hg19) VCF-style: chr13-100953832-C-T.
Other names: c.1106C>T, p.Ala369Val (NM_001127692.3, NM_001352607.2); c.1184C>T, p.Ala395Val (NM_001178004.2, NM_001352605.2, NM_001352609.2); c.239C>T, p.Ala80Val (NM_001352610.2, NM_001352611.2); c.1066-1346C>T (NM_001352606.2); c.121-1346C>T (NM_001352612.2); c.988-1346C>T (NM_001352608.2); short protein forms A395V, A369V, A80V.
Identifiers: ClinVar variation 1484354 (VCV001484354.5), dbSNP rs1354175358, ClinGen allele CA388695349.
Genomic context (GRCh38, chr13:100,301,578, plus strand): 5'-GTGTTGCTAAGGGCTACCCTCTCAGGCACAAACAAGCTGATATTCGCATCAACGGCTGGG[C>T]AGTTGAATGTCGGGTTTATGCTGAGGTAAAATGAATGGTGTTGGGAGGAAGGATGGTGGT-3'
Protein context (NP_000273.2, residues 385-405): KQADIRINGW[Ala395Val]VECRVYAEDP

ClinVar aggregate classification (germline): Uncertain significance (1 of 4 stars; one submission).

Conditions:
Propionic acidemia (PROP). Also called: GLYCINEMIA, KETOTIC; HYPERGLYCINEMIA WITH KETOACIDOSIS AND LEUKOPENIA; KETOTIC HYPERGLYCINEMIA. Identifiers: Orphanet 35, MedGen C0268579, MONDO:0011628, OMIM 606054, HP:0003571.

Submission:

Labcorp Genetics (formerly Invitae), Labcorp
Classification: Uncertain significance for Propionic acidemia. Last evaluated: 2021-08-31. Review status: criteria provided, single submitter. Criteria: Invitae Variant Classification Sherloc (09022015). Collection method: clinical testing. Allele origin: germline.
Comment: This sequence change replaces alanine with valine at codon 395 of the PCCA protein (p.Ala395Val). The alanine residue is highly conserved and there is a small physicochemical difference between alanine and valine. This variant is not present in population databases (ExAC no frequency). This variant has not been reported in the literature in individuals affected with PCCA-related conditions. Advanced modeling of protein sequence and biophysical properties (such as structural, functional, and spatial information, amino acid conservation, physicochemical variation, residue mobility, and thermodynamic stability) performed at Invitae indicates that this missense variant is expected to disrupt PCCA protein function. Algorithms developed to predict the effect of sequence changes on RNA splicing suggest that this variant may create or strengthen a splice site. In summary, the available evidence is currently insufficient to determine the role of this variant in disease. Therefore, it has been classified as a Variant of Uncertain Significance.